The following is an entry in ClinVar:

NM_004714.3(DYRK1B):c.1382C>T (p.Ser461Phe)

Gene: DYRK1B (dual specificity tyrosine phosphorylation regulated kinase 1B; minus strand). Cytogenetic location: 19q13.2.
Variant type: single nucleotide variant.
Coding change: c.1382C>T on transcript NM_004714.3 (MANE Select); coding-DNA position 1382, C replaced by T.
Protein change: p.Ser461Phe; replaces serine 461 with phenylalanine.
Molecular consequence: missense variant.
Genome position (GRCh38, 1-based): chr19:39,826,701, G>A on the plus strand (C>T on the coding strand, the complement: DYRK1B is on the minus strand). VCF-style: chr19-39826701-G-A. GRCh37 (hg19) VCF-style: chr19-40317341-G-A.
Other names: c.1262C>T, p.Ser421Phe (NM_006483.3); c.1298C>T, p.Ser433Phe (NM_006484.3); short protein forms S433F, S421F, S461F.
Identifiers: ClinVar variation 4990037 (VCV004990037.1).

ClinVar aggregate classification (germline): Uncertain significance (1 of 4 stars; one submission).

Conditions:
DYRK1B-related disorder. Also called: DYRK1B-related condition.

gnomAD v4.1: 2 of 1,605,870 alleles (0.00012%); highest among the groups gnomAD compares: Non-Finnish European, 0.00017%; no homozygotes.

Submission:

PreventionGenetics, part of Exact Sciences
Classification: Uncertain significance for DYRK1B-related condition. Last evaluated: 2025-02-17. Review status: criteria provided, single submitter. Criteria: ACMG Guidelines, 2015. Collection method: clinical testing. Allele origin: germline.
Comment: The DYRK1B c.1382C>T variant is predicted to result in the amino acid substitution p.Ser461Phe. To our knowledge, this variant has not been reported in the literature or in gnomAD, indicating that this variant is rare. At this time, the clinical significance of this variant is uncertain due to the absence of conclusive functional and genetic evidence.